The following is an entry in ClinVar:

ClinVar aggregate classification (germline): Uncertain significance (1 of 4 stars; one submission).

Allele frequency attached by ClinVar (database versions not stated): gnomAD exomes below 0.00001; TOPMed below 0.00001; gnomAD 0.00001.
gnomAD v4.1: 3 of 1,182,480 alleles (0.00025%); highest among the groups gnomAD compares: African/African-American, 0.0054%; no homozygotes.

Submission:

Labcorp Genetics (formerly Invitae), Labcorp
Classification: Uncertain significance. Last evaluated: 2022-05-22. Review status: criteria provided, single submitter. Criteria: Invitae Variant Classification Sherloc (09022015). Collection method: clinical testing. Allele origin: germline.
Comment: In summary, the available evidence is currently insufficient to determine the role of this variant in disease. Therefore, it has been classified as a Variant of Uncertain Significance. Algorithms developed to predict the effect of missense changes on protein structure and function are either unavailable or do not agree on the potential impact of this missense change (SIFT: "Deleterious"; PolyPhen-2: "Benign"; Align-GVGD: "Class C65"). This variant has not been reported in the literature in individuals affected with CACNA1F-related conditions. This variant is not present in population databases (gnomAD no frequency). This sequence change replaces proline, which is neutral and non-polar, with leucine, which is neutral and non-polar, at codon 976 of the CACNA1F protein (p.Pro976Leu).

NM_001256789.3(CACNA1F):c.2894C>T (p.Pro965Leu)

Gene: CACNA1F (calcium voltage-gated channel subunit alpha1 F; minus strand). Cytogenetic location: Xp11.23.
Variant type: single nucleotide variant.
Coding change: c.2894C>T on transcript NM_001256789.3 (MANE Select); coding-DNA position 2894, C replaced by T.
Protein change: p.Pro965Leu; replaces proline 965 with leucine.
Molecular consequence: missense variant.
Genome position (GRCh38, 1-based): chrX:49,218,489, G>A on the plus strand (C>T on the coding strand, the complement: CACNA1F is on the minus strand). VCF-style: chrX-49218489-G-A. GRCh37 (hg19) VCF-style: chrX-49074948-G-A.
Other names: c.2732C>T, p.Pro911Leu (NM_001256790.3); c.2927C>T, p.Pro976Leu (NM_005183.4); short protein forms P911L, P965L, P976L.
Identifiers: ClinVar variation 1997827 (VCV001997827.4), dbSNP rs1557107977, ClinGen allele CA412964642.
Genomic context (GRCh38, chrX:49,218,489, plus strand): 5'-TGTGGGTTTGGGTGGGGTGGGGTTACCTTGAGTCCCTTGGCCCTGTTGATGGCTCGGAGG[G>A]GCCGCAGTACTCGGAGTACTCGCAGAATCTTCACCACCGAGATGGCGCTGGAGCTGGGGA-3'
Protein context (NP_001243718.1, residues 955-975): KILRVLRVLR[Pro965Leu]LRAINRAKGL